The following is an entry in ClinVar:

ClinVar aggregate classification (germline): Benign. Review status: criteria provided, multiple submitters, no conflicts (2 of 4 stars). 3 submissions from 3 submitters: Benign (3). Last evaluated 2023-11-12.

Allele frequency attached by ClinVar (database versions not stated): 1000 Genomes Project 30x 0.18770; 1000 Genomes Project 0.18790; TOPMed 0.20887; gnomAD 0.20984 and 0.21033; gnomAD exomes 0.23356.
gnomAD v4.1: 211,961 of 922,426 alleles (23%); highest among the groups gnomAD compares: Middle Eastern, 28%; 25,431 homozygotes.

Submissions (3):

Unidad de Genómica Garrahan, Hospital de Pediatría Garrahan
Classification: Benign. Last evaluated: 2023-11-12. Review status: criteria provided, single submitter. Criteria: ACMG Guidelines, 2015. Collection method: clinical testing. Allele origin: germline. Affected: no. Observed: 29 variant alleles.
Comment: This variant is classified as Benign based on local population frequency. This variant was detected in 30% of patients studied by a panel of primary immunodeficiencies. Number of patients: 29. Only high quality variants are reported.

GeneDx
Classification: Benign. Last evaluated: 2018-06-14. Review status: criteria provided, single submitter. Criteria: GeneDx Variant Classification (06012015). Collection method: clinical testing. Allele origin: germline. Affected: yes.
Comment: This variant is considered likely benign or benign based on one or more of the following criteria: it is a conservative change, it occurs at a poorly conserved position in the protein, it is predicted to be benign by multiple in silico algorithms, and/or has population frequency not consistent with disease.

Breakthrough Genomics
Classification: Benign. Review status: criteria provided, single submitter. Criteria: ACMG Guidelines, 2015. Collection method: not provided. Allele origin: germline. Inheritance: Autosomal recessive inheritance. Affected: yes.

NM_203447.4(DOCK8):c.2110-88C>T

Gene: DOCK8 (dedicator of cytokinesis 8; plus strand). Cytogenetic location: 9p24.3.
Variant type: single nucleotide variant.
Coding change: c.2110-88C>T on transcript NM_203447.4 (MANE Select); 88 bases into the intron before coding-DNA position 2110, C replaced by T.
Molecular consequence: intron variant.
Genome position (GRCh38, 1-based): chr9:376,122, C>T. VCF-style: chr9-376122-C-T. GRCh37 (hg19) VCF-style: chr9-376122-C-T.
Other names: c.1906-88C>T (NM_001193536.2, NM_001190458.2).
Identifiers: ClinVar variation 674865 (VCV000674865.4), dbSNP rs10973003, ClinGen allele CA15592178.